The following is an entry in ClinVar:

ClinVar aggregate classification (germline): Conflicting classifications of pathogenicity. Review status: criteria provided, conflicting classifications (1 of 4 stars). 3 submissions from 3 submitters: Uncertain significance (2); Benign (1). Last evaluated 2025-03-19.

Conditions:
Hereditary pancreatitis (PCTT). Also called: Hereditary chronic pancreatitis; PRSS1-Related Hereditary Pancreatitis. Identifiers: Orphanet 676, MedGen C0238339, MONDO:0008185, OMIM 167800.

Allele frequency attached by ClinVar (database versions not stated): ExAC 0.00775.

Submissions (3):

Labcorp Genetics (formerly Invitae), Labcorp
Classification: Uncertain significance for Hereditary pancreatitis. Last evaluated: 2025-03-19. Review status: criteria provided, single submitter. Criteria: Invitae Variant Classification Sherloc (09022015). Collection method: clinical testing. Allele origin: germline.
Comment: This sequence change replaces arginine, which is basic and polar, with cysteine, which is neutral and slightly polar, at codon 68 of the PRSS1 protein (p.Arg68Cys). The frequency data for this variant in the population databases is considered unreliable, as metrics indicate poor data quality at this position in the gnomAD database. This variant has not been reported in the literature in individuals affected with PRSS1-related conditions. ClinVar contains an entry for this variant (Variation ID: 1474524). An algorithm developed to predict the effect of missense changes on protein structure and function (PolyPhen-2) suggests that this variant is likely to be tolerated. In summary, the available evidence is currently insufficient to determine the role of this variant in disease. Therefore, it has been classified as a Variant of Uncertain Significance.

Mayo Clinic Laboratories, Mayo Clinic
Classification: Uncertain significance. Last evaluated: 2024-02-26. Review status: criteria provided, single submitter. Criteria: ACMG Guidelines, 2015. Collection method: clinical testing. Allele origin: germline. Observed: 1 variant allele.

Ambry Genetics
Classification: Benign for Hereditary pancreatitis. Last evaluated: 2021-04-29. Review status: criteria provided, single submitter. Criteria: Ambry Variant Classification Scheme 2023. Collection method: clinical testing. Allele origin: germline.

Literature cited by the submitters: PubMed 29299148 (cited by Mayo Clinic Laboratories, Mayo Clinic); PubMed 30420730 (cited by Mayo Clinic Laboratories, Mayo Clinic).

NM_002769.5(PRSS1):c.202C>T (p.Arg68Cys)

Genes: TRB (T cell receptor beta locus; plus strand), PRSS1 (serine protease 1; plus strand). Cytogenetic location: 7q34.
Variant type: single nucleotide variant.
Coding change: c.202C>T on transcript NM_002769.5 (MANE Select); coding-DNA position 202, C replaced by T.
Protein change: p.Arg68Cys; replaces arginine 68 with cysteine.
Molecular consequence: missense variant.
Genome position (GRCh38, 1-based): chr7:142,751,775, C>T. VCF-style: chr7-142751775-C-T. GRCh37 (hg19) VCF-style: chr7-142459626-C-T.
Other names: p.Arg68Cys; short protein forms R68C.
Identifiers: ClinVar variation 1474524 (VCV001474524.11), dbSNP rs145867820, ClinGen allele CA4529876.